The following is an entry in ClinVar:

ClinVar aggregate classification (germline): Likely benign (1 of 4 stars; one submission).

Conditions:
DICER1-related tumor predisposition. Also called: DICER1 syndrome; DICER1-related pleuropulmonary blastoma cancer predisposition syndrome. Identifiers: Orphanet 284343, MedGen C3839822, MONDO:0100216.

Submission:

Myriad Genetics, Inc.
Classification: Likely benign for DICER1-related tumor predisposition. Last evaluated: 2026-04-10. Review status: criteria provided, single submitter. Criteria: Myriad Autosomal Dominant, Autosomal Recessive and X-Linked Classification Criteria (2023). Collection method: clinical testing. Allele origin: unknown.
Comment: This variant is considered likely benign. This variant is intronic and is not expected to impact mRNA splicing.

NM_177438.3(DICER1):c.574-7A>G

Gene: DICER1 (dicer 1, ribonuclease III; minus strand). Cytogenetic location: 14q32.13.
Variant type: single nucleotide variant.
Coding change: c.574-7A>G on transcript NM_177438.3 (MANE Select); 7 bases into the intron before coding-DNA position 574, A replaced by G.
Molecular consequence: intron variant.
Genome position (GRCh38, 1-based): chr14:95,129,639, T>C on the plus strand (A>G on the coding strand, the complement: DICER1 is on the minus strand). VCF-style: chr14-95129639-T-C. GRCh37 (hg19) VCF-style: chr14-95595976-T-C.
Other names: c.574-7A>G (NM_001291628.2, NM_030621.4, NM_001395677.1 and 14 more transcripts); c.169-7A>G (NM_001395690.1, NM_001395687.1, NM_001395689.1 and 3 more transcripts); c.292-7A>G (NM_001395686.1); c.7-7A>G (NM_001395691.1); c.-995-7A>G (NM_001395697.1).
Identifiers: ClinVar variation 4875861 (VCV004875861.1).
Genomic context (GRCh38, chr14:95,129,639, plus strand): 5'-AATGGAAGCAGTTAGTCCCAAAATGCGAGGACATGATGGACAATTTTCACAGAGCTAACA[T>C]AATAAAAGATACTGACAGTAAAGACTTCATTTTGCAAGGCTATAACAAGAGAGACATCGC-3'